The following is an entry in ClinVar:

NM_000138.5(FBN1):c.4745del (p.Thr1582fs)

Gene: FBN1 (fibrillin 1; minus strand). Cytogenetic location: 15q21.1.
Variant type: Deletion.
Coding change: c.4745del on transcript NM_000138.5 (MANE Select); coding-DNA position 4745, one base deleted (C; older notation c.4745delC).
Protein change: p.Thr1582fs; shifts the reading frame from threonine 1582.
Molecular consequence: frameshift variant.
Genome position (GRCh38, 1-based): chr15:48,467,940, G deleted on the plus strand (C on the coding strand, the reverse complement: FBN1 is on the minus strand). VCF-style (leftmost placement, unchanged base first): chr15-48467939-TG-T. GRCh37 (hg19) VCF-style: chr15-48760136-TG-T.
Other names: short protein forms T1582fs.
Identifiers: ClinVar variation 952814 (VCV000952814.7), dbSNP rs2043336561, ClinGen allele CA1139663946.

ClinVar aggregate classification (germline): Pathogenic (1 of 4 stars; one submission).

Conditions:
Familial thoracic aortic aneurysm and aortic dissection (TAAD). Also called: Thoracic aortic aneurysms and dissections. Identifiers: Orphanet 91387, MedGen C4707243, MONDO:0019625.
Marfan syndrome (MFS). Also called: Marfan syndrome, classic; Marfan syndrome type 1; Marfan's syndrome; FBN1-Related Marfan Syndrome; MARFAN SYNDROME, TYPE I. Identifiers: Orphanet 284963, Orphanet 558, MedGen C0024796, MONDO:0007947, OMIM 154700.

Submission:

Labcorp Genetics (formerly Invitae), Labcorp
Classification: Pathogenic for Marfan syndrome; Familial thoracic aortic aneurysm and aortic dissection. Last evaluated: 2019-07-22. Review status: criteria provided, single submitter. Criteria: Invitae Variant Classification Sherloc (09022015). Collection method: clinical testing. Allele origin: germline.
Comment: This variant is not present in population databases (ExAC no frequency). This sequence change creates a premature translational stop signal (p.Thr1582Asnfs*58) in the FBN1 gene. It is expected to result in an absent or disrupted protein product. This variant has not been reported in the literature in individuals with FBN1-related conditions. Loss-of-function variants in FBN1 are known to be pathogenic (PMID: 17657824, 19293843). For these reasons, this variant has been classified as Pathogenic.

Literature cited by the submitters: PubMed 17657824; PubMed 19293843.